The following is an entry in ClinVar:

NM_000503.6(EYA1):c.*1581G>A

Gene: EYA1 (EYA transcriptional coactivator and phosphatase 1; minus strand). Cytogenetic location: 8q13.3.
Variant type: single nucleotide variant.
Coding change: c.*1581G>A on transcript NM_000503.6 (MANE Select); 1581 bases downstream of the stop codon, G replaced by A.
Molecular consequence: 3 prime UTR variant.
Genome position (GRCh38, 1-based): chr8:71,197,759, C>T on the plus strand (G>A on the coding strand, the complement: EYA1 is on the minus strand). VCF-style: chr8-71197759-C-T. GRCh37 (hg19) VCF-style: chr8-72109994-C-T.
Other names: c.*1581G>A (NM_001288574.2, NM_001288575.2, NM_001370333.1 and 5 more transcripts).
Identifiers: ClinVar variation 363624 (VCV000363624.6), dbSNP rs9298163, ClinGen allele CA10631475.

ClinVar aggregate classification (germline): Benign. Review status: criteria provided, multiple submitters, no conflicts (2 of 4 stars). 3 submissions from 2 submitters: Benign (3). Last evaluated 2018-01-13.

Conditions:
Otofaciocervical syndrome 1 (OTFCS). Identifiers: MedGen C3714941, MONDO:0024532, OMIM 166780.
Branchiootic syndrome 1 (BOS1). Also called: BO SYNDROME 1; BRANCHIOOTIC DYSPLASIA. Identifiers: MedGen C1865143, MONDO:0011258, OMIM 602588.

Allele frequency attached by ClinVar (database versions not stated): gnomAD exomes 0.96495; gnomAD 0.97552 and 0.97608; TOPMed 0.97647; 1000 Genomes Project 30x 0.98751; 1000 Genomes Project 0.98782.
gnomAD v4.1: 149,075 of 152,730 alleles (98%); highest among the groups gnomAD compares: East Asian, 100%; 72,769 homozygotes.

Submissions (3):

Illumina Laboratory Services, Illumina
Classification: Benign for Branchiootic syndrome. Last evaluated: 2018-01-13. Review status: criteria provided, single submitter. Criteria: ICSL Variant Classification Criteria 13 December 2019. Collection method: clinical testing. Allele origin: germline.
Comment: This variant was observed in the ICSL laboratory as part of a predisposition screen in an ostensibly healthy population. It had not been previously curated by ICSL or reported in the Human Gene Mutation Database (HGMD: prior to June 1st, 2018), and was therefore a candidate for classification through an automated scoring system. Utilizing variant allele frequency, disease prevalence and penetrance estimates, and inheritance mode, an automated score was calculated to assess if this variant is too frequent to cause the disease. Based on the score and internal cut-off values, a variant classified as benign is not then subjected to further curation. The score for this variant resulted in a classification of benign for this disease.

Illumina Laboratory Services, Illumina
Classification: Benign for Otofaciocervical syndrome 1. Last evaluated: 2018-01-13. Review status: criteria provided, single submitter. Criteria: ICSL Variant Classification Criteria 13 December 2019. Collection method: clinical testing. Allele origin: germline.
Comment: the same text as in the submission from Illumina Laboratory Services, Illumina above.

Breakthrough Genomics
Classification: Benign. Review status: criteria provided, single submitter. Criteria: ACMG Guidelines, 2015. Collection method: not provided. Allele origin: germline. Inheritance: Autosomal dominant inheritance. Affected: yes.